The following is an entry in ClinVar:

ClinVar aggregate classification (germline): Uncertain significance. Review status: criteria provided, multiple submitters, no conflicts (2 of 4 stars). 3 submissions from 3 submitters: Uncertain significance (3). Last evaluated 2025-09-01.

Conditions:
Inborn genetic diseases. Identifiers: MedGen C0950123, MeSH D030342.
Cranioectodermal dysplasia 2 (CED2). Identifiers: Orphanet 1515, MedGen C3150874, MONDO:0013323, OMIM 613610.
Short-rib thoracic dysplasia 7 with or without polydactyly (SRTD7). Also called: Short rib polydactyly syndrome 5; SHORT-RIB THORACIC DYSPLASIA 7 WITH POLYDACTYLY. Identifiers: Orphanet 498497, Orphanet 93271, MedGen C3279792, MONDO:0013569, OMIM 614091.

Allele frequency attached by ClinVar (database versions not stated): TOPMed below 0.00001; gnomAD exomes 0.00001 and 0.00002.
gnomAD v4.1: 6 of 1,614,136 alleles (0.00037%); highest among the groups gnomAD compares: Admixed American, 0.0067%; no homozygotes.

Submissions (3):

Ambry Genetics
Classification: Uncertain significance for Inborn genetic diseases. Last evaluated: 2025-09-01. Review status: criteria provided, single submitter. Criteria: Ambry Variant Classification Scheme 2023. Collection method: clinical testing. Allele origin: germline.

Fulgent Genetics
Classification: Uncertain significance for Cranioectodermal dysplasia 2; Short-rib thoracic dysplasia 7 with or without polydactyly. Last evaluated: 2024-03-25. Review status: criteria provided, single submitter. Criteria: ACMG Guidelines, 2015. Collection method: clinical testing. Allele origin: germline.

Labcorp Genetics (formerly Invitae), Labcorp
Classification: Uncertain significance for Cranioectodermal dysplasia 2; Short-rib thoracic dysplasia 7 with or without polydactyly. Last evaluated: 2020-05-27. Review status: criteria provided, single submitter. Criteria: Invitae Variant Classification Sherloc (09022015). Collection method: clinical testing. Allele origin: germline.
Comment: In summary, the available evidence is currently insufficient to determine the role of this variant in disease. Therefore, it has been classified as a Variant of Uncertain Significance. Algorithms developed to predict the effect of missense changes on protein structure and function output the following: SIFT: "Deleterious"; PolyPhen-2: "Benign"; Align-GVGD: "Class C15". The cysteine amino acid residue is found in multiple mammalian species, suggesting that this missense change does not adversely affect protein function. These predictions have not been confirmed by published functional studies and their clinical significance is uncertain. This variant has not been reported in the literature in individuals with WDR35-related conditions. This variant is not present in population databases (ExAC no frequency). This sequence change replaces tyrosine with cysteine at codon 255 of the WDR35 protein (p.Tyr255Cys). The tyrosine residue is moderately conserved and there is a large physicochemical difference between tyrosine and cysteine.

NM_020779.4(WDR35):c.764A>G (p.Tyr255Cys)

Gene: WDR35 (WD repeat domain 35; minus strand). Cytogenetic location: 2p24.1.
Variant type: single nucleotide variant.
Coding change: c.764A>G on transcript NM_020779.4 (MANE Select); coding-DNA position 764, A replaced by G.
Protein change: p.Tyr255Cys; replaces tyrosine 255 with cysteine.
Molecular consequence: missense variant.
Genome position (GRCh38, 1-based): chr2:19,973,681, T>C on the plus strand (A>G on the coding strand, the complement: WDR35 is on the minus strand). VCF-style: chr2-19973681-T-C. GRCh37 (hg19) VCF-style: chr2-20173442-T-C.
Other names: c.764A>G (NM_001006657.1); c.764A>G, p.Tyr255Cys (NM_001006657.2); short protein forms Y255C.
Identifiers: ClinVar variation 1022751 (VCV001022751.8), dbSNP rs1228498799, ClinGen allele CA345946974.